The following is an entry in ClinVar:

ClinVar aggregate classification (germline): Uncertain significance (1 of 4 stars; one submission).

Submission:

GeneDx
Classification: Uncertain significance. Last evaluated: 2022-03-17. Review status: criteria provided, single submitter. Criteria: GeneDx Variant Classification Process June 2021. Collection method: clinical testing. Allele origin: germline. Affected: yes.
Comment: Not observed at significant frequency in large population cohorts (gnomAD); In silico analysis supports that this missense variant does not alter protein structure/function; Has not been previously published as pathogenic or benign to our knowledge

NM_004380.3(CREBBP):c.2865G>T (p.Gln955His)

Gene: CREBBP (CREB binding protein; minus strand). Cytogenetic location: 16p13.3.
Variant type: single nucleotide variant.
Coding change: c.2865G>T on transcript NM_004380.3 (MANE Select); coding-DNA position 2865, G replaced by T.
Protein change: p.Gln955His; replaces glutamine 955 with histidine.
Molecular consequence: missense variant.
Genome position (GRCh38, 1-based): chr16:3,770,585, C>A on the plus strand (G>T on the coding strand, the complement: CREBBP is on the minus strand). VCF-style: chr16-3770585-C-A. GRCh37 (hg19) VCF-style: chr16-3820586-C-A.
Other names: c.2751G>T, p.Gln917His (NM_001079846.1); short protein forms Q917H, Q955H.
Identifiers: ClinVar variation 1706399 (VCV001706399.2), dbSNP rs2141198586, ClinGen allele CA394549979.